The following is an entry in ClinVar:

NM_181783.4(TMTC3):c.189+5G>C

Gene: TMTC3 (transmembrane O-mannosyltransferase targeting cadherins 3; plus strand). Cytogenetic location: 12q21.32.
Variant type: single nucleotide variant.
Coding change: c.189+5G>C on transcript NM_181783.4 (MANE Select); 5 bases into the intron after coding-DNA position 189, G replaced by C.
Molecular consequence: intron variant.
Genome position (GRCh38, 1-based): chr12:88,148,509, G>C. VCF-style: chr12-88148509-G-C. GRCh37 (hg19) VCF-style: chr12-88542286-G-C.
Other names: c.189+5G>C (NM_001366579.1); c.9+5G>C (NM_001366574.1); c.-78-4782G>C (NM_001366580.1); c.-285-5779G>C (NM_001366583.1).
Identifiers: ClinVar variation 1924807 (VCV001924807.5), dbSNP rs2501932812, ClinGen allele CA2580086744.

ClinVar aggregate classification (germline): Uncertain significance (1 of 4 stars; one submission).

Allele frequency attached by ClinVar (database versions not stated): gnomAD exomes below 0.00001.
gnomAD v4.1: 3 of 1,582,692 alleles (0.00019%); highest among the groups gnomAD compares: Non-Finnish European, 0.00017%; no homozygotes.

Submission:

Labcorp Genetics (formerly Invitae), Labcorp
Classification: Uncertain significance. Last evaluated: 2021-11-27. Review status: criteria provided, single submitter. Criteria: Invitae Variant Classification Sherloc (09022015). Collection method: clinical testing. Allele origin: germline.
Comment: This sequence change falls in intron 2 of the TMTC3 gene. It does not directly change the encoded amino acid sequence of the TMTC3 protein. It affects a nucleotide within the consensus splice site. This variant is not present in population databases (gnomAD no frequency). This variant has not been reported in the literature in individuals affected with TMTC3-related conditions. Variants that disrupt the consensus splice site are a relatively common cause of aberrant splicing (PMID: 17576681, 9536098). Algorithms developed to predict the effect of sequence changes on RNA splicing suggest that this variant may disrupt the consensus splice site. In summary, the available evidence is currently insufficient to determine the role of this variant in disease. Therefore, it has been classified as a Variant of Uncertain Significance.

Literature cited by the submitters: PubMed 17576681; PubMed 9536098.